The following is an entry in ClinVar:

NM_015629.4(PRPF31):c.1358C>A (p.Ala453Asp)

Gene: PRPF31 (pre-mRNA processing factor 31; plus strand). Cytogenetic location: 19q13.42.
Variant type: single nucleotide variant.
Coding change: c.1358C>A on transcript NM_015629.4 (MANE Select); coding-DNA position 1358, C replaced by A.
Protein change: p.Ala453Asp; replaces alanine 453 with aspartic acid.
Molecular consequence: missense variant.
Genome position (GRCh38, 1-based): chr19:54,129,354, C>A. VCF-style: chr19-54129354-C-A. GRCh37 (hg19) VCF-style: chr19-54632729-C-A.
Other names: short protein forms A453D.
Identifiers: ClinVar variation 2013133 (VCV002013133.4), dbSNP rs151337240, ClinGen allele CA309331019.

ClinVar aggregate classification (germline): Uncertain significance (1 of 4 stars; one submission).

Allele frequency attached by ClinVar (database versions not stated): ExAC 0.00002; ESP Exome Variant Server 0.00008.

Submission:

Labcorp Genetics (formerly Invitae), Labcorp
Classification: Uncertain significance. Last evaluated: 2022-07-21. Review status: criteria provided, single submitter. Criteria: Invitae Variant Classification Sherloc (09022015). Collection method: clinical testing. Allele origin: germline.
Comment: In summary, the available evidence is currently insufficient to determine the role of this variant in disease. Therefore, it has been classified as a Variant of Uncertain Significance. Algorithms developed to predict the effect of missense changes on protein structure and function are either unavailable or do not agree on the potential impact of this missense change (SIFT: "Tolerated"; PolyPhen-2: "Probably Damaging"; Align-GVGD: "Class C0"). This variant has not been reported in the literature in individuals affected with PRPF31-related conditions. This variant is not present in population databases (gnomAD no frequency). This sequence change replaces alanine, which is neutral and non-polar, with aspartic acid, which is acidic and polar, at codon 453 of the PRPF31 protein (p.Ala453Asp).